The following is an entry in ClinVar:

NM_001037333.3(CYFIP2):c.2722G>A (p.Val908Met)

Gene: CYFIP2 (cytoplasmic FMR1 interacting protein 2; plus strand). Cytogenetic location: 5q33.3.
Variant type: single nucleotide variant.
Coding change: c.2722G>A on transcript NM_001037333.3 (MANE Select); coding-DNA position 2722, G replaced by A.
Protein change: p.Val908Met; replaces valine 908 with methionine.
Molecular consequence: missense variant.
Genome position (GRCh38, 1-based): chr5:157,359,053, G>A. VCF-style: chr5-157359053-G-A. GRCh37 (hg19) VCF-style: chr5-156786061-G-A.
Other names: c.2644G>A, p.Val882Met (NM_001291721.2); c.2797G>A, p.Val933Met (NM_001291722.2); c.2722G>A, p.Val908Met (NM_014376.4); c.2722G>A (NM_001037333.1); short protein forms V933M, V882M, V908M.
Identifiers: ClinVar variation 3012124 (VCV003012124.4), dbSNP rs753859417, ClinGen allele CA3534119.
Genomic context (GRCh38, chr5:157,359,053, plus strand): 5'-TCTGTTTTCCAGCCTCTCAACATTGCCTACAGCCACATCTACAGCTCCTACAGGAATTTC[G>A]TGGGGCCACCTCATTTCAAGACTATCTGCAGACTCCTGGGTTATCAGGGCATCGCTGTGG-3'
Protein context (NP_001032410.1, residues 898-918): SHIYSSYRNF[Val908Met]GPPHFKTICR

ClinVar aggregate classification (germline): Uncertain significance. Review status: criteria provided, multiple submitters, no conflicts (2 of 4 stars). 2 submissions from 2 submitters: Uncertain significance (2). Last evaluated 2025-08-07.

Conditions:
Inborn genetic diseases. Identifiers: MedGen C0950123, MeSH D030342.

Allele frequency attached by ClinVar (database versions not stated): ExAC 0.00001.
gnomAD v4.1: 9 of 1,613,916 alleles (0.00056%); highest among the groups gnomAD compares: South Asian, 0.0022%; no homozygotes.

Submissions (2):

Ambry Genetics
Classification: Uncertain significance for Inborn genetic diseases. Last evaluated: 2025-08-07. Review status: criteria provided, single submitter. Criteria: Ambry Variant Classification Scheme 2023. Collection method: clinical testing. Allele origin: germline.

Labcorp Genetics (formerly Invitae), Labcorp
Classification: Uncertain significance. Last evaluated: 2025-06-08. Review status: criteria provided, single submitter. Criteria: Invitae Variant Classification Sherloc (09022015). Collection method: clinical testing. Allele origin: germline.
Comment: This sequence change replaces valine, which is neutral and non-polar, with methionine, which is neutral and non-polar, at codon 908 of the CYFIP2 protein (p.Val908Met). This variant is present in population databases (rs753859417, gnomAD 0.004%). This variant has not been reported in the literature in individuals affected with CYFIP2-related conditions. ClinVar contains an entry for this variant (Variation ID: 3012124). Experimental studies and prediction algorithms are not available or were not evaluated, and the functional significance of this variant is currently unknown. In summary, the available evidence is currently insufficient to determine the role of this variant in disease. Therefore, it has been classified as a Variant of Uncertain Significance.